The following is an entry in ClinVar:

ClinVar aggregate classification (germline): Conflicting classifications of pathogenicity. Review status: criteria provided, conflicting classifications (1 of 4 stars). 3 submissions from 3 submitters: Uncertain significance (2); Likely benign (1). Last evaluated 2026-04-15.

Conditions:
FGD1-related disorder. Also called: FGD1-related condition; FGD1-related disorders.
Inborn genetic diseases. Identifiers: MedGen C0950123, MeSH D030342.

Allele frequency attached by ClinVar (database versions not stated): gnomAD exomes below 0.00001; TOPMed 0.00005.
gnomAD v4.1: 5 of 1,210,357 alleles (0.00041%); highest among the groups gnomAD compares: East Asian, 0.0089%; no homozygotes.

Submissions (3):

Ambry Genetics
Classification: Uncertain significance for Inborn genetic diseases. Last evaluated: 2026-04-15. Review status: criteria provided, single submitter. Criteria: Ambry Variant Classification Scheme 2023. Collection method: clinical testing. Allele origin: germline.

PreventionGenetics, part of Exact Sciences
Classification: Uncertain significance for FGD1-related condition. Last evaluated: 2024-10-21. Review status: criteria provided, single submitter. Criteria: ACMG Guidelines, 2015. Collection method: clinical testing. Allele origin: germline.
Comment: The FGD1 c.1096G>A variant is predicted to result in the amino acid substitution p.Val366Met. To our knowledge, this variant has not been reported in the literature. This variant is reported in 0.0072% of alleles in individuals of East Asian descent in gnomAD. This variant could be benign. At this time, the clinical significance of this variant is uncertain due to the absence of conclusive functional and genetic evidence.

Labcorp Genetics (formerly Invitae), Labcorp
Classification: Likely benign. Last evaluated: 2023-12-06. Review status: criteria provided, single submitter. Criteria: Invitae Variant Classification Sherloc (09022015). Collection method: clinical testing. Allele origin: germline.

NM_004463.3(FGD1):c.1096G>A (p.Val366Met)

Gene: FGD1 (FYVE, RhoGEF and PH domain containing 1; minus strand). Cytogenetic location: Xp11.22.
Variant type: single nucleotide variant.
Coding change: c.1096G>A on transcript NM_004463.3 (MANE Select); coding-DNA position 1096, G replaced by A.
Protein change: p.Val366Met; replaces valine 366 with methionine.
Molecular consequence: missense variant.
Genome position (GRCh38, 1-based): chrX:54,470,021, C>T on the plus strand (G>A on the coding strand, the complement: FGD1 is on the minus strand). VCF-style: chrX-54470021-C-T. GRCh37 (hg19) VCF-style: chrX-54496454-C-T.
Other names: c.1096G>A (NM_004463.2); short protein forms V366M.
Identifiers: ClinVar variation 3008879 (VCV003008879.5), dbSNP rs140078362, ClinGen allele CA328938069.
Genomic context (GRCh38, chrX:54,470,021, plus strand): 5'-AGGCGCTTCCAGGTTCTCCACATGGACCTGCCTCTCGGTGAACACAGGTCAGTACCTCCA[C>T]AGACTCCTGTCTCTCCATCAGGGGCACTGGGATTTCTCTGTCCTTCTCTTCCTCCTCCTC-3'
Protein context (NP_004454.2, residues 356-376): PVPLMERQES[Val366Met]ELTVQQKVFH